The following is an entry in ClinVar:

NM_005732.4(RAD50):c.2718+1_2718+5del

Gene: RAD50 (RAD50 double strand break repair protein; plus strand). Cytogenetic location: 5q31.1.
Variant type: Deletion.
Coding change: c.2718+1_2718+5del on transcript NM_005732.4 (MANE Select); the canonical splice donor site of the intron after coding-DNA position 2718 through 5 bases into the intron after coding-DNA position 2718, 5 bases deleted (GTAAG; older notation c.2718+1_2718+5delGTAAG).
Molecular consequence: splice donor variant.
Genome position (GRCh38, 1-based): chr5:132,605,000-132,605,004, GTAAG deleted; deleting any 5 consecutive bases within chr5:132,604,997-132,605,004 gives the same sequence; the c. name uses the placement nearest the transcript's 3' end. VCF-style (leftmost placement, unchanged base first): chr5-132604996-AAAGGT-A. GRCh37 (hg19) VCF-style: chr5-131940688-AAAGGT-A.
Identifiers: ClinVar variation 231436 (VCV000231436.5), dbSNP rs876659158, ClinGen allele CA10578575.

ClinVar aggregate classification (germline): Likely pathogenic (1 of 4 stars; one submission).

Conditions:
Hereditary cancer-predisposing syndrome. Also called: Neoplastic Syndromes, Hereditary; Tumor predisposition; Hereditary Cancer Syndrome; Hereditary neoplastic syndrome. Identifiers: Orphanet 140162, MedGen C0027672, MeSH D009386, MONDO:0015356.

Submission:

Ambry Genetics
Classification: Likely pathogenic for Hereditary cancer-predisposing syndrome. Last evaluated: 2019-03-01. Review status: criteria provided, single submitter. Criteria: Ambry Variant Classification Scheme 2023. Collection method: clinical testing. Allele origin: germline.
Comment: The c.2718+1_2718+5delGTAAG intronic variant results from a deletion of 5 nucleotides downstream of coding exon 16 and disrupts the canonical splice donor site within intron 16 of the RAD50 gene. This region is well conserved in available vertebrate species. Using the BDGP and ESEfinder splice site prediction tools, this alteration is predicted to abolish the native splice donor site; however, direct evidence is unavailable. Alterations that disrupt the canonical splice site are expected to cause aberrant splicing, resulting in an abnormal protein or a transcript that is subject to nonsense-mediated mRNA decay. As such, this alteration is classified as likely pathogenic.